The following is an entry in ClinVar:

NM_000169.3(GLA):c.164_171delinsTCTGCCTA (p.Asp55_Gln57delinsValCysLeu)

Genes: GLA (galactosidase alpha; minus strand), RPL36A-HNRNPH2 (RPL36A-HNRNPH2 readthrough; plus strand). Cytogenetic location: Xq22.1.
Variant type: Indel.
Coding change: c.164_171delinsTCTGCCTA on transcript NM_000169.3 (MANE Select); coding-DNA positions 164 to 171, ACTGCCAG replaced by TCTGCCTA.
Protein change: p.Asp55_Gln57delinsValCysLeu.
Molecular consequence: missense variant. On other transcripts: non-coding transcript variant (3), intron variant (2).
Genome position (GRCh38, 1-based): chrX:101,407,733-101,407,740, CTGGCAGT replaced by TAGGCAGA on the plus strand (ACTGCCAG replaced by TCTGCCTA on the coding strand, the reverse complement: GLA is on the minus strand). VCF-style: chrX-101407733-CTGGCAGT-TAGGCAGA. GRCh37 (hg19) VCF-style: chrX-100662721-CTGGCAGT-TAGGCAGA.
Other names: c.164_171delACTGCCAGinsTCTGCCTA, p.Asp55_Gln57delinsValCysLeu (NM_000169.2); c.164_171delinsTCTGCCTA, p.Asp55_Gln57delinsValCysLeu (NM_001406747.1, NM_001406748.1, NM_001406749.1); c.301-4203_301-4196delinsTAGGCAGA (NM_001199973.2); c.178-4203_178-4196delinsTAGGCAGA (NM_001199974.2).
Identifiers: ClinVar variation 593549 (VCV000593549.6), dbSNP rs1569306036, ClinGen allele CA913190392.

ClinVar aggregate classification (germline): Pathogenic/Likely pathogenic. Review status: criteria provided, multiple submitters, no conflicts (2 of 4 stars). 2 submissions from 2 submitters: Pathogenic (1); Likely pathogenic (1). Last evaluated 2023-09-11.

Conditions:
Fabry disease. Also called: Fabry's disease; ALPHA-GALACTOSIDASE A DEFICIENCY; ANDERSON-FABRY DISEASE; CERAMIDE TRIHEXOSIDASE DEFICIENCY; Ceramide trihexosidosis; Angiokeratoma corporis diffusum. Identifiers: Orphanet 324, MedGen C0002986, MONDO:0010526, OMIM 301500, HP:0001071. Disease mechanism: Fabry disease is due to inactivating mutations in the X-linked GLA gene resulting in deficiency of the enzyme Alpha Galactosidase-A., loss of function.

Submissions (2):

Women's Health and Genetics/Laboratory Corporation of America, LabCorp
Classification: Pathogenic for Fabry disease. Last evaluated: 2023-09-11. Review status: criteria provided, single submitter. Criteria: LabCorp Variant Classification Summary - May 2015. Collection method: clinical testing. Allele origin: germline.
Comment: Variant summary: GLA c.164_171delinsTCTGCCTA (p.Asp55_Gln57delinsValCysLeu) results in an in-frame deletion-insertion that is predicted to delete/insert 3 amino acids from the protein and also cause changes in 2 amino acids. The variant was absent in 183298 control chromosomes (gnomAD). The available data on variant occurrences in the general population are insufficient to allow any conclusion about variant significance. A variant resulting in the equivalent amino acid changes (annotated as the double variant D55V/Q57L) has been reported in patients affected with Fabry disease (Benjamin_2009). These data indicate that the variant is likely to be associated with disease. At least one publication reports experimental evidence evaluating an impact on protein function of cells derived from patients with the aforementioned amino acid changes, finding a severe loss of alpha-Gal A activity (Benjamin_2009). The following publication has been ascertained in the context of this evaluation (PMID: 19387866). One submitter has cited a clinical-significance assessment for this variant to ClinVar after 2014 and has classified the variant as likely pathogenic. Based on the evidence outlined above, the variant was classified as pathogenic.

Eurofins Ntd Llc (ga)
Classification: Likely pathogenic. Last evaluated: 2017-08-03. Review status: criteria provided, single submitter. Criteria: EGL Classification Definitions 2015. Collection method: clinical testing. Allele origin: germline. Observed: 1 variant allele, 1 hemizygote.

Literature cited by the submitters: PubMed 19387866 (cited by Women's Health and Genetics/Laboratory Corporation of America, LabCorp).